The following is an entry in ClinVar:

ClinVar aggregate classification (germline): Uncertain significance (1 of 4 stars; one submission).

Allele frequency attached by ClinVar (database versions not stated): gnomAD exomes below 0.00001; TOPMed below 0.00001; ExAC 0.00001.
gnomAD v4.1: 5 of 1,610,834 alleles (0.00031%); highest among the groups gnomAD compares: East Asian, 0.0022%; no homozygotes.

Submission:

Labcorp Genetics (formerly Invitae), Labcorp
Classification: Uncertain significance. Last evaluated: 2022-08-16. Review status: criteria provided, single submitter. Criteria: Invitae Variant Classification Sherloc (09022015). Collection method: clinical testing. Allele origin: germline.
Comment: In summary, the available evidence is currently insufficient to determine the role of this variant in disease. Therefore, it has been classified as a Variant of Uncertain Significance. Algorithms developed to predict the effect of sequence changes on RNA splicing suggest that this variant may disrupt the consensus splice site. ClinVar contains an entry for this variant (Variation ID: 1497014). This variant has not been reported in the literature in individuals affected with ARMC9-related conditions. This variant is present in population databases (rs759308354, gnomAD 0.006%). This sequence change falls in intron 16 of the ARMC9 gene. It does not directly change the encoded amino acid sequence of the ARMC9 protein.

NM_001352754.2(ARMC9):c.1627-10A>G

Gene: ARMC9 (armadillo repeat containing 9; plus strand). Cytogenetic location: 2q37.1.
Variant type: single nucleotide variant.
Coding change: c.1627-10A>G on transcript NM_001352754.2 (MANE Select); 10 bases into the intron before coding-DNA position 1627, A replaced by G.
Molecular consequence: intron variant.
Genome position (GRCh38, 1-based): chr2:231,291,343, A>G. VCF-style: chr2-231291343-A-G. GRCh37 (hg19) VCF-style: chr2-232156056-A-G.
Other names: c.1627-10A>G (NM_001271466.4, NM_001352755.2, NM_001352756.2 and 3 more transcripts); c.1528-10A>G (NM_001352757.2, NM_001352758.2).
Identifiers: ClinVar variation 1497014 (VCV001497014.6), dbSNP rs759308354, ClinGen allele CA2160427.